The following is an entry in ClinVar:

NM_001080449.3(DNA2):c.2593G>T (p.Asp865Tyr)

Gene: DNA2 (DNA replication helicase/nuclease 2; minus strand). Cytogenetic location: 10q21.3.
Variant type: single nucleotide variant.
Coding change: c.2593G>T on transcript NM_001080449.3 (MANE Select); coding-DNA position 2593, G replaced by T.
Protein change: p.Asp865Tyr; replaces aspartic acid 865 with tyrosine.
Molecular consequence: missense variant. On other transcripts: non-coding transcript variant (1).
Genome position (GRCh38, 1-based): chr10:68,422,329, C>A on the plus strand (G>T on the coding strand, the complement: DNA2 is on the minus strand). VCF-style: chr10-68422329-C-A. GRCh37 (hg19) VCF-style: chr10-70182086-C-A.
Other names: short protein forms D865Y.
Identifiers: ClinVar variation 4769623 (VCV004769623.1).

ClinVar aggregate classification (germline): Uncertain significance (1 of 4 stars; one submission).

Submission:

Labcorp Genetics (formerly Invitae), Labcorp
Classification: Uncertain significance. Last evaluated: 2025-09-21. Review status: criteria provided, single submitter. Criteria: Invitae Variant Classification Sherloc (09022015). Collection method: clinical testing. Allele origin: germline.
Comment: This sequence change replaces aspartic acid, which is acidic and polar, with tyrosine, which is neutral and polar, at codon 865 of the DNA2 protein (p.Asp865Tyr). This variant is not present in population databases (gnomAD no frequency). This variant has not been reported in the literature in individuals affected with DNA2-related conditions. Invitae Evidence Modeling of protein sequence and biophysical properties (such as structural, functional, and spatial information, amino acid conservation, physicochemical variation, residue mobility, and thermodynamic stability) indicates that this missense variant is not expected to disrupt DNA2 protein function with a negative predictive value of 80%. In summary, the available evidence is currently insufficient to determine the role of this variant in disease. Therefore, it has been classified as a Variant of Uncertain Significance.